The following is an entry in ClinVar:

NM_001999.4(FBN2):c.8687dup (p.Gly2897fs)

Gene: FBN2 (fibrillin 2; minus strand). Cytogenetic location: 5q23.3.
Variant type: Duplication.
Coding change: c.8687dup on transcript NM_001999.4 (MANE Select); coding-DNA position 8687, one base duplicated (T; older notation c.8687dupT).
Protein change: p.Gly2897fs; shifts the reading frame from glycine 2897.
Molecular consequence: frameshift variant.
Genome position (GRCh38, 1-based): chr5:128,259,507, A duplicated on the plus strand (T on the coding strand, the reverse complement: FBN2 is on the minus strand). VCF-style (leftmost placement, unchanged base first): chr5-128259506-T-TA. GRCh37 (hg19) VCF-style: chr5-127595198-T-TA.
Other names: short protein forms G2897fs.
Identifiers: ClinVar variation 3764256 (VCV003764256.1).

ClinVar aggregate classification (germline): Uncertain significance (1 of 4 stars; one submission).

Submission:

GeneDx
Classification: Uncertain significance. Last evaluated: 2024-08-18. Review status: criteria provided, single submitter. Criteria: GeneDx Variant Classification Process June 2021. Collection method: clinical testing. Allele origin: germline. Affected: yes.
Comment: Has not been previously published as pathogenic or benign to our knowledge; Not observed at significant frequency in large population cohorts (gnomAD); Frameshift variant predicted to result in abnormal protein length as the last 16 amino acids are replaced with 28 different amino acids